The following is an entry in ClinVar:

NM_144687.4(NLRP12):c.956C>T (p.Pro319Leu)

Gene: NLRP12 (NLR family pyrin domain containing 12; minus strand). Cytogenetic location: 19q13.42.
Variant type: single nucleotide variant.
Coding change: c.956C>T on transcript NM_144687.4 (MANE Select); coding-DNA position 956, C replaced by T.
Protein change: p.Pro319Leu; replaces proline 319 with leucine.
Molecular consequence: missense variant.
Genome position (GRCh38, 1-based): chr19:53,810,703, G>A on the plus strand (C>T on the coding strand, the complement: NLRP12 is on the minus strand). VCF-style: chr19-53810703-G-A. GRCh37 (hg19) VCF-style: chr19-54313957-G-A.
Other names: c.956C>T, p.Pro319Leu (NM_001277126.2, NM_001277129.1); short protein forms P319L.
Identifiers: ClinVar variation 967158 (VCV000967158.7), dbSNP rs35401786, ClinGen allele CA9639562.

ClinVar aggregate classification (germline): Uncertain significance (1 of 4 stars; one submission).

Conditions:
Familial cold autoinflammatory syndrome 2 (FCAS2). Identifiers: Orphanet 247868, MedGen C2673198, MONDO:0012724, OMIM 611762.

gnomAD v4.1: 3 of 1,613,876 alleles (0.00019%); highest among the groups gnomAD compares: African/African-American, 0.0027%; no homozygotes.

Submission:

Labcorp Genetics (formerly Invitae), Labcorp
Classification: Uncertain significance for Familial cold autoinflammatory syndrome 2. Last evaluated: 2022-06-08. Review status: criteria provided, single submitter. Criteria: Invitae Variant Classification Sherloc (09022015). Collection method: clinical testing. Allele origin: germline.
Comment: In summary, the available evidence is currently insufficient to determine the role of this variant in disease. Therefore, it has been classified as a Variant of Uncertain Significance. Algorithms developed to predict the effect of missense changes on protein structure and function (SIFT, PolyPhen-2, Align-GVGD) all suggest that this variant is likely to be disruptive. ClinVar contains an entry for this variant (Variation ID: 967158). This variant has not been reported in the literature in individuals affected with NLRP12-related conditions. This variant is present in population databases (rs35401786, gnomAD 0.007%). This sequence change replaces proline, which is neutral and non-polar, with leucine, which is neutral and non-polar, at codon 319 of the NLRP12 protein (p.Pro319Leu).